The following is an entry in ClinVar:

ClinVar aggregate classification (germline): Uncertain significance (1 of 4 stars; one submission).

Conditions:
Inborn genetic diseases. Identifiers: MedGen C0950123, MeSH D030342.

gnomAD v4.1: 1 of 1,613,778 alleles (0.000062%); highest among the groups gnomAD compares: Non-Finnish European, 0.000085%; no homozygotes.

Submission:

Ambry Genetics
Classification: Uncertain significance for Inborn genetic diseases. Last evaluated: 2025-10-17. Review status: criteria provided, single submitter. Criteria: Ambry Variant Classification Scheme 2023. Collection method: clinical testing. Allele origin: germline.
Comment: The p.R406S variant (also known as c.1216C>A), located in coding exon 11 of the AKT1 gene, results from a C to A substitution at nucleotide position 1216. The arginine at codon 406 is replaced by serine, an amino acid with dissimilar properties. This amino acid position is conserved. In addition, this alteration is predicted to be tolerated by in silico analysis. Based on the available evidence, the clinical significance of this variant remains unclear.

NM_001382430.1(AKT1):c.1216C>A (p.Arg406Ser)

Gene: AKT1 (AKT serine/threonine kinase 1; minus strand). Cytogenetic location: 14q32.33.
Variant type: single nucleotide variant.
Coding change: c.1216C>A on transcript NM_001382430.1 (MANE Select); coding-DNA position 1216, C replaced by A.
Protein change: p.Arg406Ser; replaces arginine 406 with serine.
Molecular consequence: missense variant.
Genome position (GRCh38, 1-based): chr14:104,772,409, G>T on the plus strand (C>A on the coding strand, the complement: AKT1 is on the minus strand). VCF-style: chr14-104772409-G-T. GRCh37 (hg19) VCF-style: chr14-105238746-G-T.
Other names: c.1216C>A, p.Arg406Ser (NM_001014431.2, NM_001014432.2, NM_001382431.1 and 3 more transcripts); short protein forms R406S.
Identifiers: ClinVar variation 4574024 (VCV004574024.1).